The following is an entry in ClinVar:

NM_000169.3(GLA):c.824_825del (p.Leu275fs)

Genes: GLA (galactosidase alpha; minus strand), RPL36A-HNRNPH2 (RPL36A-HNRNPH2 readthrough; plus strand). Cytogenetic location: Xq22.1.
Variant type: Deletion.
Coding change: c.824_825del on transcript NM_000169.3 (MANE Select); coding-DNA positions 824 to 825, 2 bases deleted (TC; older notation c.824_825delTC).
Protein change: p.Leu275fs; shifts the reading frame from leucine 275.
Molecular consequence: frameshift variant. On other transcripts: non-coding transcript variant (3), intron variant (2).
Genome position (GRCh38, 1-based): chrX:101,398,544-101,398,545, GA deleted on the plus strand (TC on the coding strand, the reverse complement: GLA is on the minus strand); deleting any 2 consecutive bases within chrX:101,398,544-101,398,546 gives the same sequence; the c. name uses the placement nearest the transcript's 3' end. VCF-style (leftmost placement, unchanged base first): chrX-101398543-TGA-T. GRCh37 (hg19) VCF-style: chrX-100653531-TGA-T.
Other names: c.300+3088_300+3089del (NM_001199973.2); c.177+6723_177+6724del (NM_001199974.2); c.947_948del, p.Leu316fs (NM_001406747.1); c.824_825del, p.Leu275fs (NM_001406748.1); c.824_825delTC (NM_000169.2); short protein forms L275fs, L316fs.
Identifiers: ClinVar variation 997922 (VCV000997922.10), dbSNP rs1928173731, ClinGen allele CA2448298054.

ClinVar aggregate classification (germline): Pathogenic/Likely pathogenic. Review status: criteria provided, multiple submitters, no conflicts (2 of 4 stars). 3 submissions from 3 submitters: Pathogenic (2); Likely pathogenic (1). Last evaluated 2021-07-15.

Conditions:
Fabry disease. Also called: ALPHA-GALACTOSIDASE A DEFICIENCY; ANDERSON-FABRY DISEASE; CERAMIDE TRIHEXOSIDASE DEFICIENCY; GLA DEFICIENCY; HEREDITARY DYSTOPIC LIPIDOSIS; Fabry's disease. Identifiers: Orphanet 324, MedGen C0002986, MONDO:0010526, OMIM 301500, HP:0001071. Disease mechanism: Fabry disease is due to inactivating mutations in the X-linked GLA gene resulting in deficiency of the enzyme Alpha Galactosidase-A., loss of function.

Submissions (3):

Genome-Nilou Lab
Classification: Pathogenic for Fabry disease. Last evaluated: 2021-07-15. Review status: criteria provided, single submitter. Criteria: ACMG Guidelines, 2015. Collection method: clinical testing. Allele origin: germline. Affected: no.

Women's Health and Genetics/Laboratory Corporation of America, LabCorp
Classification: Likely pathogenic for Fabry disease. Last evaluated: 2021-02-23. Review status: criteria provided, single submitter. Criteria: LabCorp Variant Classification Summary - May 2015. Collection method: clinical testing. Allele origin: germline.
Comment: Variant summary: GLA c.824_825delTC (p.Leu275GlnfsX23) results in a premature termination codon, predicted to cause a truncation of the encoded protein or absence of the protein due to nonsense mediated decay, which are commonly known mechanisms for disease. Truncations downstream of this position have been classified as pathogenic by our laboratory. The variant was absent in 183402 control chromosomes. To our knowledge, no occurrence of c.824_825delTC in individuals affected with Fabry Disease and no experimental evidence demonstrating its impact on protein function have been reported. No clinical diagnostic laboratories have submitted clinical-significance assessments for this variant to ClinVar after 2014. Based on the evidence outlined above, the variant was classified as likely pathogenic.

Labcorp Genetics (formerly Invitae), Labcorp
Classification: Pathogenic for Fabry disease. Last evaluated: 2020-10-05. Review status: criteria provided, single submitter. Criteria: Invitae Variant Classification Sherloc (09022015). Collection method: clinical testing. Allele origin: germline.
Comment: For these reasons, this variant has been classified as Pathogenic. This sequence change creates a premature translational stop signal (p.Leu275Glnfs*23) in the GLA gene. It is expected to result in an absent or disrupted protein product. This variant is not present in population databases (ExAC no frequency). This variant has not been reported in the literature in individuals with GLA-related conditions. Loss-of-function variants in GLA are known to be pathogenic (PMID: 10666480, 12175777).

Literature cited by the submitters: PubMed 10666480 (cited by Labcorp Genetics (formerly Invitae), Labcorp); PubMed 12175777 (cited by Labcorp Genetics (formerly Invitae), Labcorp).